The following is an entry in ClinVar:

ClinVar aggregate classification (germline): Uncertain significance (1 of 4 stars; one submission).

gnomAD v4.1: 1 of 1,613,924 alleles (0.000062%); highest among the groups gnomAD compares: South Asian, 0.0011%; no homozygotes.

Submission:

Labcorp Genetics (formerly Invitae), Labcorp
Classification: Uncertain significance. Last evaluated: 2024-10-30. Review status: criteria provided, single submitter. Criteria: Invitae Variant Classification Sherloc (09022015). Collection method: clinical testing. Allele origin: germline.
Comment: This sequence change replaces proline, which is neutral and non-polar, with serine, which is neutral and polar, at codon 555 of the SAMD9 protein (p.Pro555Ser). This variant is present in population databases (rs780430573, gnomAD 0.003%). This variant has not been reported in the literature in individuals affected with SAMD9-related conditions. Invitae Evidence Modeling of protein sequence and biophysical properties (such as structural, functional, and spatial information, amino acid conservation, physicochemical variation, residue mobility, and thermodynamic stability) has been performed for this missense variant. However, the output from this modeling did not meet the statistical confidence thresholds required to predict the impact of this variant on SAMD9 protein function. In summary, the available evidence is currently insufficient to determine the role of this variant in disease. Therefore, it has been classified as a Variant of Uncertain Significance.

NM_017654.4(SAMD9):c.1663C>T (p.Pro555Ser)

Gene: SAMD9 (sterile alpha motif domain containing 9; minus strand). Cytogenetic location: 7q21.2.
Variant type: single nucleotide variant.
Coding change: c.1663C>T on transcript NM_017654.4 (MANE Select); coding-DNA position 1663, C replaced by T.
Protein change: p.Pro555Ser; replaces proline 555 with serine.
Molecular consequence: missense variant.
Genome position (GRCh38, 1-based): chr7:93,104,435, G>A on the plus strand (C>T on the coding strand, the complement: SAMD9 is on the minus strand). VCF-style: chr7-93104435-G-A. GRCh37 (hg19) VCF-style: chr7-92733748-G-A.
Other names: c.1663C>T, p.Pro555Ser (NM_001193307.2); short protein forms P555S.
Identifiers: ClinVar variation 3684400 (VCV003684400.2).